The following is an entry in ClinVar:

ClinVar aggregate classification (germline): Benign. Review status: criteria provided, multiple submitters, no conflicts (2 of 4 stars). 2 submissions from 2 submitters: Benign (2). Last evaluated 2018-06-18.

Allele frequency attached by ClinVar (database versions not stated): gnomAD exomes 0.07060; ExAC 0.07328; 1000 Genomes Project 0.10443; 1000 Genomes Project 30x 0.10712; gnomAD 0.10968 and 0.11470; TOPMed 0.11512; ESP Exome Variant Server 0.11779.
gnomAD v4.1: 130,282 of 1,611,162 alleles (8.1%); highest among the groups gnomAD compares: African/African-American, 21%; 6,250 homozygotes.

Submissions (2):

GeneDx
Classification: Benign. Last evaluated: 2018-06-18. Review status: criteria provided, single submitter. Criteria: GeneDx Variant Classification (06012015). Collection method: clinical testing. Allele origin: germline. Affected: yes.
Comment: This variant is considered likely benign or benign based on one or more of the following criteria: it is a conservative change, it occurs at a poorly conserved position in the protein, it is predicted to be benign by multiple in silico algorithms, and/or has population frequency not consistent with disease.

Breakthrough Genomics
Classification: Benign. Review status: criteria provided, single submitter. Criteria: ACMG Guidelines, 2015. Collection method: not provided. Allele origin: germline. Inheritance: Autosomal recessive inheritance. Affected: yes.

NM_020433.5(JPH2):c.2010+40C>G

Gene: JPH2 (junctophilin 2; minus strand). Cytogenetic location: 20q13.12.
Variant type: single nucleotide variant.
Coding change: c.2010+40C>G on transcript NM_020433.5 (MANE Select); 40 bases into the intron after coding-DNA position 2010, C replaced by G.
Molecular consequence: intron variant.
Genome position (GRCh38, 1-based): chr20:44,115,625, G>C on the plus strand (C>G on the coding strand, the complement: JPH2 is on the minus strand). VCF-style: chr20-44115625-G-C. GRCh37 (hg19) VCF-style: chr20-42744265-G-C.
Identifiers: ClinVar variation 671360 (VCV000671360.2), dbSNP rs56061946, ClinGen allele CA9868537.